The following is an entry in ClinVar:

ClinVar aggregate classification (germline): Pathogenic (1 of 4 stars; one submission).

Conditions:
Tuberous sclerosis 2 (TSC2). Identifiers: Orphanet 805, MedGen C1860707, MONDO:0013199, OMIM 613254.

Submission:

Labcorp Genetics (formerly Invitae), Labcorp
Classification: Pathogenic for Tuberous sclerosis 2. Last evaluated: 2025-01-15. Review status: criteria provided, single submitter. Criteria: Invitae Variant Classification Sherloc (09022015). Collection method: clinical testing. Allele origin: germline.
Comment: This sequence change affects a donor splice site in intron 35 of the TSC2 gene. It is expected to disrupt RNA splicing. Variants that disrupt the donor or acceptor splice site typically lead to a loss of protein function (PMID: 16199547), and loss-of-function variants in TSC2 are known to be pathogenic (PMID: 10205261, 17304050). This variant is not present in population databases (gnomAD no frequency). Disruption of this splice site has been observed in individual(s) with tuberous sclerosis complex (PMID: 29476190, 31525612). ClinVar contains an entry for this variant (Variation ID: 468101). Algorithms developed to predict the effect of sequence changes on RNA splicing suggest that this variant may disrupt the consensus splice site. For these reasons, this variant has been classified as Pathogenic.

Literature cited by the submitters: PubMed 16199547; PubMed 10205261; PubMed 17304050; PubMed 29476190; PubMed 31525612.

NM_000548.5(TSC2):c.4569+2T>A

Gene: TSC2 (TSC complex subunit 2; plus strand). Cytogenetic location: 16p13.3.
Variant type: single nucleotide variant.
Coding change: c.4569+2T>A on transcript NM_000548.5 (MANE Select); the canonical splice donor site of the intron after coding-DNA position 4569, T replaced by A.
Molecular consequence: splice donor variant.
Genome position (GRCh38, 1-based): chr16:2,085,028, T>A. VCF-style: chr16-2085028-T-A. GRCh37 (hg19) VCF-style: chr16-2135029-T-A.
Other names: c.4350+2T>A (NM_001406676.1); c.4224+2T>A (NM_001318829.2); c.4221+2T>A (NM_001406679.1); c.3771+2T>A (NM_001406686.1, NM_001406685.1); c.4401+2T>A (NM_001318832.2); c.3027+2T>A (NM_001406693.1, NM_001406694.1, NM_001406692.1); c.4461+2T>A (NM_001406667.1); c.4458+2T>A (NM_001406668.1); and 26 more.
Identifiers: ClinVar variation 468101 (VCV000468101.7), dbSNP rs1555514984, ClinGen allele CA394303141.